The following is an entry in ClinVar:

ClinVar aggregate classification (germline): Uncertain significance (1 of 4 stars; one submission).

gnomAD v4.1: 11 of 1,612,158 alleles (0.00068%); highest among the groups gnomAD compares: South Asian, 0.0044%; no homozygotes.

Submission:

Labcorp Genetics (formerly Invitae), Labcorp
Classification: Uncertain significance. Last evaluated: 2024-03-20. Review status: criteria provided, single submitter. Criteria: Invitae Variant Classification Sherloc (09022015). Collection method: clinical testing. Allele origin: germline.
Comment: This sequence change replaces valine, which is neutral and non-polar, with methionine, which is neutral and non-polar, at codon 875 of the COL7A1 protein (p.Val875Met). This variant is present in population databases (rs200864582, gnomAD 0.007%). This variant has not been reported in the literature in individuals affected with COL7A1-related conditions. Advanced modeling of protein sequence and biophysical properties (such as structural, functional, and spatial information, amino acid conservation, physicochemical variation, residue mobility, and thermodynamic stability) performed at Invitae indicates that this missense variant is not expected to disrupt COL7A1 protein function with a negative predictive value of 95%. In summary, the available evidence is currently insufficient to determine the role of this variant in disease. Therefore, it has been classified as a Variant of Uncertain Significance.

NM_000094.4(COL7A1):c.2623G>A (p.Val875Met)

Gene: COL7A1 (collagen type VII alpha 1 chain; minus strand). Cytogenetic location: 3p21.31.
Variant type: single nucleotide variant.
Coding change: c.2623G>A on transcript NM_000094.4 (MANE Select); coding-DNA position 2623, G replaced by A.
Protein change: p.Val875Met; replaces valine 875 with methionine.
Molecular consequence: missense variant.
Genome position (GRCh38, 1-based): chr3:48,588,369, C>T on the plus strand (G>A on the coding strand, the complement: COL7A1 is on the minus strand). VCF-style: chr3-48588369-C-T. GRCh37 (hg19) VCF-style: chr3-48625802-C-T.
Other names: short protein forms V875M.
Identifiers: ClinVar variation 3712894 (VCV003712894.1).
Genomic context (GRCh38, chr3:48,588,369, plus strand): 5'-CCTGCGCTCTGGGCACCGGCTCCCAGCGCAGCCTCAGCGAGTGCTCCCCGCGCTGCACCA[C>T]GTGAAGCGTCCCCAGGGCTGGCGGAGCCTCAGGCGCTGGAGAGAAAGCTCAGGAATCAGG-3'
Protein context (NP_000085.1, residues 865-885): EAPPALGTLH[Val875Met]VQRGEHSLRL